The following is an entry in ClinVar:

NM_002972.4(SBF1):c.1684C>T (p.Arg562Trp)

Gene: SBF1 (SET binding factor 1; minus strand). Cytogenetic location: 22q13.33.
Variant type: single nucleotide variant.
Coding change: c.1684C>T on transcript NM_002972.4 (MANE Select); coding-DNA position 1684, C replaced by T.
Protein change: p.Arg562Trp; replaces arginine 562 with tryptophan.
Molecular consequence: missense variant.
Genome position (GRCh38, 1-based): chr22:50,464,394, G>A on the plus strand (C>T on the coding strand, the complement: SBF1 is on the minus strand). VCF-style: chr22-50464394-G-A. GRCh37 (hg19) VCF-style: chr22-50902823-G-A.
Other names: c.1687C>T, p.Arg563Trp (NM_001365819.1, NM_001410794.1); c.1684C>T, p.Arg562Trp (NM_001410795.1, NM_197971.1); short protein forms R563W, R562W.
Identifiers: ClinVar variation 1966723 (VCV001966723.5), dbSNP rs1301087859, ClinGen allele CA412217258.

ClinVar aggregate classification (germline): Uncertain significance (1 of 4 stars; one submission).

Allele frequency attached by ClinVar (database versions not stated): gnomAD exomes below 0.00001.
gnomAD v4.1: 5 of 1,614,064 alleles (0.00031%); highest among the groups gnomAD compares: Admixed American, 0.0033%; no homozygotes.

Submission:

Labcorp Genetics (formerly Invitae), Labcorp
Classification: Uncertain significance. Last evaluated: 2021-12-13. Review status: criteria provided, single submitter. Criteria: Invitae Variant Classification Sherloc (09022015). Collection method: clinical testing. Allele origin: germline.
Comment: In summary, the available evidence is currently insufficient to determine the role of this variant in disease. Therefore, it has been classified as a Variant of Uncertain Significance. Algorithms developed to predict the effect of missense changes on protein structure and function are either unavailable or do not agree on the potential impact of this missense change (SIFT: "Deleterious"; PolyPhen-2: "Probably Damaging"; Align-GVGD: "Class C0"). This variant has not been reported in the literature in individuals affected with SBF1-related conditions. This variant is present in population databases (no rsID available, gnomAD 0.006%). This sequence change replaces arginine, which is basic and polar, with tryptophan, which is neutral and slightly polar, at codon 562 of the SBF1 protein (p.Arg562Trp).